The following is an entry in ClinVar:

NM_025179.4(PLXNA2):c.3565C>A (p.Pro1189Thr)

Gene: PLXNA2 (plexin A2; minus strand). Cytogenetic location: 1q32.2.
Variant type: single nucleotide variant.
Coding change: c.3565C>A on transcript NM_025179.4 (MANE Select); coding-DNA position 3565, C replaced by A.
Protein change: p.Pro1189Thr; replaces proline 1189 with threonine.
Molecular consequence: missense variant.
Genome position (GRCh38, 1-based): chr1:208,045,141, G>T on the plus strand (C>A on the coding strand, the complement: PLXNA2 is on the minus strand). VCF-style: chr1-208045141-G-T. GRCh37 (hg19) VCF-style: chr1-208218486-G-T.
Other names: short protein forms P1189T.
Identifiers: ClinVar variation 4982454 (VCV004982454.1).

ClinVar aggregate classification (germline): Uncertain significance (1 of 4 stars; one submission).

Conditions:
PLXNA2-related disorder. Also called: PLXNA2-related condition.

gnomAD v4.1: 1 of 1,614,026 alleles (0.000062%); highest among the groups gnomAD compares: Admixed American, 0.0017%; no homozygotes.

Submission:

PreventionGenetics, part of Exact Sciences
Classification: Uncertain significance for PLXNA2-related condition. Last evaluated: 2025-03-26. Review status: criteria provided, single submitter. Criteria: ACMG Guidelines, 2015. Collection method: clinical testing. Allele origin: germline.
Comment: The PLXNA2 c.3565C>A variant is predicted to result in the amino acid substitution p.Pro1189Thr. To our knowledge, this variant has not been reported in the literature. This variant has been reported in 1 heterozygous individual within the ‘other’ subpopulation in gnomAD. At this time, the clinical significance of this variant is uncertain due to the absence of conclusive functional and genetic evidence.